The following is an entry in ClinVar:

ClinVar aggregate classification (germline): Uncertain significance (1 of 4 stars; one submission).

Conditions:
Bethlem myopathy 1A. Also called: MYOPATHY, BENIGN CONGENITAL, WITH CONTRACTURES; Bethlem myopathy 1; Bethlem Muscular Dystrophy. Identifiers: Orphanet 610, MedGen CN029274, MONDO:0024530, OMIM 158810.

gnomAD v4.1: 15 of 1,614,088 alleles (0.00093%); highest among the groups gnomAD compares: Non-Finnish European, 0.0012%; no homozygotes.

Submission:

Labcorp Genetics (formerly Invitae), Labcorp
Classification: Uncertain significance for Bethlem myopathy 1A. Last evaluated: 2021-03-03. Review status: criteria provided, single submitter. Criteria: Invitae Variant Classification Sherloc (09022015). Collection method: clinical testing. Allele origin: germline.
Comment: This sequence change replaces aspartic acid with histidine at codon 1589 of the COL6A3 protein (p.Asp1589His). The aspartic acid residue is moderately conserved and there is a moderate physicochemical difference between aspartic acid and histidine. In summary, the available evidence is currently insufficient to determine the role of this variant in disease. Therefore, it has been classified as a Variant of Uncertain Significance. Advanced modeling of protein sequence and biophysical properties (such as structural, functional, and spatial information, amino acid conservation, physicochemical variation, residue mobility, and thermodynamic stability) performed at Invitae indicates that this missense variant is not expected to disrupt COL6A3 protein function. This variant has not been reported in the literature in individuals with COL6A3-related conditions. This variant is not present in population databases (ExAC no frequency).

NM_004369.4(COL6A3):c.4765G>C (p.Asp1589His)

Gene: COL6A3 (collagen type VI alpha 3 chain; minus strand). Cytogenetic location: 2q37.3.
Variant type: single nucleotide variant.
Coding change: c.4765G>C on transcript NM_004369.4 (MANE Select); coding-DNA position 4765, G replaced by C.
Protein change: p.Asp1589His; replaces aspartic acid 1589 with histidine.
Molecular consequence: missense variant.
Genome position (GRCh38, 1-based): chr2:237,368,698, C>G on the plus strand (G>C on the coding strand, the complement: COL6A3 is on the minus strand). VCF-style: chr2-237368698-C-G. GRCh37 (hg19) VCF-style: chr2-238277341-C-G.
Other names: c.2944G>C, p.Asp982His (NM_057166.5); c.4147G>C, p.Asp1383His (NM_057167.4); short protein forms D982H, D1383H, D1589H.
Identifiers: ClinVar variation 1522806 (VCV001522806.8), dbSNP rs904372024, ClinGen allele CA351191119.
Genomic context (GRCh38, chr2:237,368,698, plus strand): 5'-TTCTTTCTTCTATGTTGGGAAGCTCTCTGAACTCTCGCACTGTGAAGACCAGTCTGGGGT[C>G]ATTGGTGATGGTCTGCAGCTCTGTTCTGTCGATGTTCCGGTCTCCTACCCCTAAACTCAC-3'
Protein context (NP_004360.2, residues 1579-1599): DRTELQTITN[Asp1589His]PRLVFTVREF